The following is an entry in ClinVar:

ClinVar aggregate classification (germline): Conflicting classifications of pathogenicity. Review status: criteria provided, conflicting classifications (1 of 4 stars). 17 submissions from 17 submitters: Uncertain significance (3); Benign (2); Likely benign (9). 3 of the submissions do not count toward it. Last evaluated 2026-02-03.

Conditions:
Hereditary cancer-predisposing syndrome. Also called: Tumor predisposition; Hereditary neoplastic syndrome; Neoplastic Syndromes, Hereditary; Hereditary Cancer Syndrome. Identifiers: Orphanet 140162, MedGen C0027672, MeSH D009386, MONDO:0015356.
Peutz-Jeghers syndrome (PJS). Also called: Peutz-Jeghers polyposis; Periorificial lentiginosis syndrome; POLYPOSIS, HAMARTOMATOUS INTESTINAL; POLYPS-AND-SPOTS SYNDROME. Identifiers: Orphanet 2869, MedGen C0031269, MeSH D010580, MONDO:0008280, OMIM 175200.
STK11-related disorder. Also called: STK11-related condition.

Allele frequency attached by ClinVar (database versions not stated): ExAC 0.00005; gnomAD exomes 0.00005; TOPMed 0.00079; 1000 Genomes Project 0.00080; 1000 Genomes Project 30x 0.00094.

Submissions (17):

Labcorp Genetics (formerly Invitae), Labcorp
Classification: Benign for Peutz-Jeghers syndrome. Last evaluated: 2026-02-03. Review status: criteria provided, single submitter. Criteria: Invitae Variant Classification Sherloc (09022015). Collection method: clinical testing. Allele origin: germline.

Quest Diagnostics Nichols Institute San Juan Capistrano
Classification: Likely benign. Last evaluated: 2025-08-11. Review status: criteria provided, single submitter. Criteria: Quest Diagnostics criteria. Collection method: clinical testing. Allele origin: unknown.

All of Us Research Program, National Institutes of Health
Classification: Likely benign for Peutz-Jeghers syndrome. Last evaluated: 2024-09-23. Review status: criteria provided, single submitter. Criteria: ACMG Guidelines, 2015. Collection method: clinical testing. Allele origin: germline. Inheritance: Autosomal dominant inheritance. Observed: 79 variant alleles, 78 heterozygotes, 1 homozygote.
Comment: This study involves interpretation of variants in research participants for the purpose of population health screening. Participant phenotype was not available at the time of variant classification. Additional details can be found in publication PMID: 35346344, PMCID: PMC8962531

Color Diagnostics, LLC DBA Color Health
Classification: Likely benign for Hereditary cancer-predisposing syndrome. Last evaluated: 2024-09-19. Review status: criteria provided, single submitter. Criteria: ACMG Guidelines, 2015. Collection method: clinical testing. Allele origin: germline.

Myriad Genetics, Inc.
Classification: Likely benign for Peutz-Jeghers syndrome. Last evaluated: 2023-04-14. Review status: criteria provided, single submitter. Criteria: Myriad Autosomal Dominant, Autosomal Recessive and X-Linked Classification Criteria (2023). Collection method: clinical testing. Allele origin: unknown.
Comment: This variant is considered likely benign. Homozygosity has been confirmed in one or more individuals. As homozygosity for pathogenic variants in this gene is generally assumed to result in embryonic lethality, this variant is unlikely to be pathogenic.

St. Jude Molecular Pathology, St. Jude Children's Research Hospital
Classification: Uncertain significance for Peutz-Jeghers syndrome. Last evaluated: 2022-07-12. Review status: criteria provided, single submitter. Criteria: St. Jude Assertion Criteria 2020. Collection method: clinical testing. Allele origin: germline.
Comment: The STK11 c.970C>G (p.Pro324Ala) missense change has a maximum subpopulation frequency of 0.025% in gnomAD v2.1.1. This variant has been reported in individuals undergoing testing for hereditary cancer predisposition (PMID: 25117502, 25980754). In addition, one individual with this variant is reported in a database of women older than 70 years of age who have never had cancer (FLOSSIES). The in silico tool REVEL predicts a benign effect on protein function, but to our knowledge this prediction has not been confirmed by functional studies. To our knowledge, this variant has not been reported in individuals with Peutz-Jeghers syndrome. In summary, the evidence currently available is insufficient to determine the clinical significance of this variant. It has therefore been classified as of uncertain significance.

Blueprint Genetics
Classification: Likely benign. Last evaluated: 2022-03-15. Review status: criteria provided, single submitter. Criteria: ACMG Guidelines, 2015. Collection method: clinical testing. Allele origin: germline.

Women's Health and Genetics/Laboratory Corporation of America, LabCorp
Classification: Benign. Last evaluated: 2021-08-06. Review status: criteria provided, single submitter. Criteria: LabCorp Variant Classification Summary - May 2015. Collection method: clinical testing. Allele origin: germline.
Comment: Variant summary: STK11 c.970C>G (p.Pro324Ala) results in a non-conservative amino acid change in the encoded protein sequence. Three of five in-silico tools predict a benign effect of the variant on protein function. The variant allele was found at a frequency of 0.00036 in 150920 control chromosomes, predominantly at a frequency of 0.0033 within the Latino subpopulation in the gnomAD database (v3.1 dataset). The observed variant frequency within Latino control individuals in the gnomAD database is approximately 500-fold higher than the estimated maximal expected allele frequency for a pathogenic variant in STK11 causing Peutz-Jeghers Syndrome phenotype (6.3e-06), strongly suggesting that the variant is a benign polymorphism found primarily in populations of Latino origin. c.970C>G has been reported in the literature in individuals undergoing clinical genetic testing for hereditary cancer risk assessment (Selkirk_2014, Yurgelun_2015). These reports do not provide unequivocal conclusions about association of the variant with Peutz-Jeghers Syndrome. To our knowledge, no experimental evidence demonstrating an impact on protein function has been reported. Eight other submitters have provided clinical-significance assessments for this variant in ClinVar after 2014 without evidence for independent evaluation, and classified the variant as VUS (n=3), likely benign (n=4) / benign (n=1). Based on the evidence outlined above, the variant was classified as benign.

Genome-Nilou Lab
Classification: Likely benign for Peutz-Jeghers syndrome. Last evaluated: 2021-07-15. Review status: criteria provided, single submitter. Criteria: ACMG Guidelines, 2015. Collection method: clinical testing. Allele origin: germline. Affected: no.

Sema4
Classification: Likely benign for Hereditary cancer-predisposing syndrome. Last evaluated: 2021-03-22. Review status: criteria provided, single submitter. Criteria: Sema4 Curation Guidelines. Collection method: curation. Allele origin: germline.

Genetic Services Laboratory, University of Chicago
Classification: Uncertain significance. Last evaluated: 2020-03-23. Review status: criteria provided, single submitter. Criteria: ACMG Guidelines, 2015. Collection method: clinical testing. Allele origin: germline. Affected: no.
Comment: DNA sequence analysis of the STK11 gene demonstrated a sequence change, c.970C>G, in exon 8 that results in an amino acid change, p.Pro324Ala. This sequence change does not appear to have been previously described in patients with STK11-related disorders and has been described in the gnomAD database with a low population frequency of 0.0048% (dbSNP rs549474196). The p.Pro324Ala change affects a highly conserved amino acid residue located in a domain of the STK11 protein that is not known to be functional. The p.Pro324Ala substitution appears to be benign using several in-silico pathogenicity prediction tools (SIFT, PolyPhen2, Align GVGD, REVEL). Due to these contrasting evidences and the lack of functional studies, the clinical significance of the p.Pro324Ala change remains unknown at this time.

Ambry Genetics
Classification: Likely benign for Hereditary cancer-predisposing syndrome. Last evaluated: 2018-09-04. Review status: criteria provided, single submitter. Criteria: Ambry Variant Classification Scheme 2023. Collection method: clinical testing. Allele origin: germline.

GeneDx
Classification: Likely benign. Last evaluated: 2017-10-27. Review status: criteria provided, single submitter. Criteria: GeneDx Variant Classification (06012015). Collection method: clinical testing. Allele origin: germline. Affected: yes.
Comment: This variant is considered likely benign or benign based on one or more of the following criteria: it is a conservative change, it occurs at a poorly conserved position in the protein, it is predicted to be benign by multiple in silico algorithms, and/or has population frequency not consistent with disease.

Genomic Diagnostic Laboratory, Division of Genomic Diagnostics, Children's Hospital of Philadelphia
Classification: Uncertain significance for Peutz-Jeghers syndrome. Last evaluated: 2015-07-21. Review status: criteria provided, single submitter. Criteria: DGD Variant Analysis Guidelines. Collection method: clinical testing. Allele origin: unknown.

PreventionGenetics, part of Exact Sciences
Classification: Likely benign for STK11-related condition. Last evaluated: 2024-02-19. Review status: no assertion criteria provided. Collection method: clinical testing. Allele origin: germline. Not counted in ClinVar's aggregate classification.
Comment: This variant is classified as likely benign based on ACMG/AMP sequence variant interpretation guidelines (Richards et al. 2015 PMID: 25741868, with internal and published modifications).

Counsyl
Classification: Uncertain significance for Peutz-Jeghers syndrome. Last evaluated: 2015-12-04. Review status: no assertion criteria provided. Collection method: clinical testing. Allele origin: unknown. Not counted in ClinVar's aggregate classification.

Mayo Clinic Laboratories, Mayo Clinic
Classification: Uncertain significance. Review status: no assertion criteria provided. Collection method: clinical testing. Allele origin: unknown. Not counted in ClinVar's aggregate classification.

Literature cited by the submitters: PubMed 25980754 (cited by 3 submitters); PubMed 25117502 (cited by Quest Diagnostics Nichols Institute San Juan Capistrano and Women's Health and Genetics/Laboratory Corporation of America, LabCorp).

NM_000455.5(STK11):c.970C>G (p.Pro324Ala)

Gene: STK11 (serine/threonine kinase 11; plus strand). Cytogenetic location: 19p13.3.
Variant type: single nucleotide variant.
Coding change: c.970C>G on transcript NM_000455.5 (MANE Select); coding-DNA position 970, C replaced by G.
Protein change: p.Pro324Ala; replaces proline 324 with alanine.
Molecular consequence: missense variant.
Genome position (GRCh38, 1-based): chr19:1,223,034, C>G. VCF-style: chr19-1223034-C-G. GRCh37 (hg19) VCF-style: chr19-1223033-C-G.
Other names: p.P324A:CCG>GCG; short protein forms P324A.
Identifiers: ClinVar variation 127710 (VCV000127710.41), dbSNP rs549474196, ClinGen allele CA023381.